The following is an entry in ClinVar:

ClinVar aggregate classification (germline): Likely pathogenic (1 of 4 stars; one submission).

Submission:

ARUP Laboratories, Molecular Genetics and Genomics, ARUP Laboratories
Classification: Likely pathogenic. Last evaluated: 2024-10-21. Review status: criteria provided, single submitter. Criteria: ARUP Molecular Germline Variant Investigation Process 2024. Collection method: clinical testing. Allele origin: germline.
Comment: The TGFB3 c.352+2T>C variant, to our knowledge, is not reported in the medical literature or gene specific databases. This variant is also absent from the Genome Aggregation Database (v2.1.1), indicating it is not a common polymorphism. This variant disrupts the canonical splice donor site of intron 1, which is likely to negatively impact gene function. Based on available information, this variant is considered to be likely pathogenic.

NM_003239.5(TGFB3):c.352+2T>C

Gene: TGFB3 (transforming growth factor beta 3; minus strand). Cytogenetic location: 14q24.3.
Variant type: single nucleotide variant.
Coding change: c.352+2T>C on transcript NM_003239.5 (MANE Select); the canonical splice donor site of the intron after coding-DNA position 352, T replaced by C.
Molecular consequence: splice donor variant.
Genome position (GRCh38, 1-based): chr14:75,980,540, A>G on the plus strand (T>C on the coding strand, the complement: TGFB3 is on the minus strand). VCF-style: chr14-75980540-A-G. GRCh37 (hg19) VCF-style: chr14-76446883-A-G.
Other names: c.352+2T>C (NM_001329939.2, NM_001329938.2).
Identifiers: ClinVar variation 3766911 (VCV003766911.1).